The following is an entry in ClinVar:

ClinVar aggregate classification (germline): Benign/Likely benign. Review status: criteria provided, multiple submitters, no conflicts (2 of 4 stars). 4 submissions from 4 submitters: Benign (1); Likely benign (2). 1 of the submissions does not count toward it. Last evaluated 2026-01-05.

Conditions:
FGFR3-related disorder. Also called: FGFR3-related disorders.

Allele frequency attached by ClinVar (database versions not stated): ESP Exome Variant Server 0.00024; TOPMed 0.00050; 1000 Genomes Project 30x 0.00187; 1000 Genomes Project 0.00220.
gnomAD v4.1: 911 of 1,575,988 alleles (0.058%); highest among the groups gnomAD compares: East Asian, 1.5%; 10 homozygotes.

Submissions (4):

Labcorp Genetics (formerly Invitae), Labcorp
Classification: Benign. Last evaluated: 2026-01-05. Review status: criteria provided, single submitter. Criteria: Invitae Variant Classification Sherloc (09022015). Collection method: clinical testing. Allele origin: germline.

Blueprint Genetics
Classification: Likely benign. Last evaluated: 2024-11-20. Review status: criteria provided, single submitter. Criteria: ACMG Guidelines, 2015. Collection method: clinical testing. Allele origin: germline.

GeneDx
Classification: Likely benign. Last evaluated: 2021-06-25. Review status: criteria provided, single submitter. Criteria: GeneDx Variant Classification Process June 2021. Collection method: clinical testing. Allele origin: germline. Affected: yes.

PreventionGenetics, part of Exact Sciences
Classification: Likely benign for FGFR3-related condition. Last evaluated: 2019-09-09. Review status: no assertion criteria provided. Collection method: clinical testing. Allele origin: germline. Not counted in ClinVar's aggregate classification.
Comment: This variant is classified as likely benign based on ACMG/AMP sequence variant interpretation guidelines (Richards et al. 2015 PMID: 25741868, with internal and published modifications).

NM_000142.5(FGFR3):c.615+6C>A

Gene: FGFR3 (fibroblast growth factor receptor 3; plus strand). Cytogenetic location: 4p16.3.
Variant type: single nucleotide variant.
Coding change: c.615+6C>A on transcript NM_000142.5 (MANE Select); 6 bases into the intron after coding-DNA position 615, C replaced by A.
Molecular consequence: intron variant.
Genome position (GRCh38, 1-based): chr4:1,801,542, C>A. VCF-style: chr4-1801542-C-A. GRCh37 (hg19) VCF-style: chr4-1803269-C-A.
Other names: c.615+6C>A (NM_001163213.2, NM_001354809.2, NM_001354810.2 and 1 more transcripts).
Identifiers: ClinVar variation 705613 (VCV000705613.16), dbSNP rs2305182, ClinGen allele CA2809873.